The following is an entry in ClinVar:

ClinVar aggregate classification (germline): Uncertain significance (1 of 4 stars; one submission).

Conditions:
Ciliary dyskinesia, primary, 37 (CILD37). Also called: CILIARY DYSKINESIA, PRIMARY, 37, WITH OR WITHOUT SITUS INVERSUS. Identifiers: MedGen C4539798, MONDO:0033204, OMIM 617577.
Spermatogenic failure 18. Identifiers: MedGen C4539783, MONDO:0054615, OMIM 617576.

Allele frequency attached by ClinVar (database versions not stated): gnomAD 0.00001 and 0.00002; ExAC 0.00002; gnomAD exomes 0.00002; TOPMed 0.00003.
gnomAD v4.1: 27 of 1,613,092 alleles (0.0017%); highest among the groups gnomAD compares: South Asian, 0.0066%; no homozygotes.

Submission:

Labcorp Genetics (formerly Invitae), Labcorp
Classification: Uncertain significance for Ciliary dyskinesia, primary, 37; Spermatogenic failure 18. Last evaluated: 2021-08-27. Review status: criteria provided, single submitter. Criteria: Invitae Variant Classification Sherloc (09022015). Collection method: clinical testing. Allele origin: germline.
Comment: This sequence change replaces glycine with serine at codon 712 of the DNAH1 protein (p.Gly712Ser). The glycine residue is highly conserved and there is a small physicochemical difference between glycine and serine. This variant is present in population databases (rs777353076, ExAC 0.01%). This variant has not been reported in the literature in individuals affected with DNAH1-related conditions. Algorithms developed to predict the effect of missense changes on protein structure and function are either unavailable or do not agree on the potential impact of this missense change (SIFT: "Deleterious"; PolyPhen-2: "Benign"; Align-GVGD: "Class C0"). Algorithms developed to predict the effect of sequence changes on RNA splicing suggest that this variant may create or strengthen a splice site. In summary, the available evidence is currently insufficient to determine the role of this variant in disease. Therefore, it has been classified as a Variant of Uncertain Significance.

NM_015512.5(DNAH1):c.2134G>A (p.Gly712Ser)

Gene: DNAH1 (dynein axonemal heavy chain 1; plus strand). Cytogenetic location: 3p21.1.
Variant type: single nucleotide variant.
Coding change: c.2134G>A on transcript NM_015512.5 (MANE Select); coding-DNA position 2134, G replaced by A.
Protein change: p.Gly712Ser; replaces glycine 712 with serine.
Molecular consequence: missense variant.
Genome position (GRCh38, 1-based): chr3:52,348,915, G>A. VCF-style: chr3-52348915-G-A. GRCh37 (hg19) VCF-style: chr3-52382931-G-A.
Other names: short protein forms G712S.
Identifiers: ClinVar variation 571874 (VCV000571874.3), dbSNP rs777353076, ClinGen allele CA2433162.